The following is an entry in ClinVar:

ClinVar aggregate classification (germline): Benign/Likely benign. Review status: criteria provided, multiple submitters, no conflicts (2 of 4 stars). 9 submissions from 9 submitters: Benign (6); Likely benign (1). 2 of the submissions do not count toward it. Last evaluated 2026-02-04.

Conditions:
Immunodeficiency, common variable, 10. Also called: IMMUNODEFICIENCY, COMMON VARIABLE, WITH CENTRAL ADRENAL INSUFFICIENCY; DEFICIT IN ANTERIOR PITUITARY FUNCTION AND VARIABLE IMMUNODEFICIENCY. Identifiers: MedGen C3809991, MONDO:0014260, OMIM 615577.

Allele frequency attached by ClinVar (database versions not stated): 1000 Genomes Project 30x 0.91896; TOPMed 0.92173; 1000 Genomes Project 0.92212; ESP Exome Variant Server 0.92219; gnomAD 0.92540 and 0.92885; ExAC 0.96458; gnomAD exomes 0.96791 and 0.97581.
gnomAD v4.1: 1,566,925 of 1,613,662 alleles (97%); highest among the groups gnomAD compares: East Asian, 100%; 762,264 homozygotes.

Submissions (9):

Labcorp Genetics (formerly Invitae), Labcorp
Classification: Benign for Immunodeficiency, common variable, 10. Last evaluated: 2026-02-04. Review status: criteria provided, single submitter. Criteria: Invitae Variant Classification Sherloc (09022015). Collection method: clinical testing. Allele origin: germline.

Women's Health and Genetics/Laboratory Corporation of America, LabCorp
Classification: Benign. Last evaluated: 2026-01-21. Review status: criteria provided, single submitter. Criteria: LabCorp Variant Classification Summary - May 2015. Collection method: clinical testing. Allele origin: germline.

Blueprint Genetics
Classification: Likely benign. Last evaluated: 2024-11-27. Review status: criteria provided, single submitter. Criteria: ACMG Guidelines, 2015. Collection method: clinical testing. Allele origin: germline.

Unidad de Genómica Garrahan, Hospital de Pediatría Garrahan
Classification: Benign. Last evaluated: 2023-11-12. Review status: criteria provided, single submitter. Criteria: ACMG Guidelines, 2015. Collection method: clinical testing. Allele origin: germline. Affected: no. Observed: 95 variant alleles.
Comment: This variant is classified as Benign based on local population frequency. This variant was detected in 99% of patients studied by a panel of primary immunodeficiencies. Number of patients: 95. Only high quality variants are reported.

Genome-Nilou Lab
Classification: Benign for Immunodeficiency, common variable, 10. Last evaluated: 2021-09-05. Review status: criteria provided, single submitter. Criteria: ACMG Guidelines, 2015. Collection method: clinical testing. Allele origin: germline. Affected: no.

Laboratory for Molecular Medicine, Mass General Brigham Personalized Medicine
Classification: Benign. Last evaluated: 2016-03-28. Review status: criteria provided, single submitter. Criteria: LMM Criteria. Collection method: clinical testing. Allele origin: germline.
Comment: Variant identified in a genome or exome case(s) and assessed due to predicted null impact of the variant or pathogenic assertions in the literature or databases. Disclaimer: This variant has not undergone full assessment. The following are preliminary notes: Frequency

Breakthrough Genomics
Classification: Benign. Review status: criteria provided, single submitter. Criteria: ACMG Guidelines, 2015. Collection method: not provided. Allele origin: germline. Inheritance: Autosomal dominant inheritance. Affected: yes.

Clinical Genetics, Academic Medical Center
Classification: Benign. Review status: no assertion criteria provided. Collection method: clinical testing. Allele origin: germline. Affected: yes. Study: VKGL Data-share Consensus. Not counted in ClinVar's aggregate classification.

Diagnostic Laboratory, Department of Genetics, University Medical Center Groningen
Classification: Benign. Review status: no assertion criteria provided. Collection method: clinical testing. Allele origin: germline. Affected: yes. Study: VKGL Data-share Consensus. Not counted in ClinVar's aggregate classification.

NM_001322934.2(NFKB2):c.662-11C>T

Genes: NFKB2 (nuclear factor kappa B subunit 2; plus strand), LOC121815964 (Sharpr-MPRA regulatory region 13585; plus strand). Cytogenetic location: 10q24.32.
Variant type: single nucleotide variant.
Coding change: c.662-11C>T on transcript NM_001322934.2 (MANE Select); 11 bases into the intron before coding-DNA position 662, C replaced by T.
Molecular consequence: intron variant.
Genome position (GRCh38, 1-based): chr10:102,397,970, C>T. VCF-style: chr10-102397970-C-T. GRCh37 (hg19) VCF-style: chr10-104157727-C-T.
Other names: c.662-11C>T (NM_001288724.1, NM_001322935.1, NM_001077494.3 and 2 more transcripts).
Identifiers: ClinVar variation 403232 (VCV000403232.21), dbSNP rs4919632, ClinGen allele CA5664625.